The following is an entry in ClinVar:

ClinVar aggregate classification (germline): Pathogenic/Likely pathogenic. Review status: criteria provided, multiple submitters, no conflicts (2 of 4 stars). 3 submissions from 3 submitters: Pathogenic (2); Likely pathogenic (1). Last evaluated 2025-06-07.

Conditions:
Inborn genetic diseases. Identifiers: MedGen C0950123, MeSH D030342.
Developmental delay, impaired speech, and behavioral abnormalities, with or without seizures (DEDISB). Identifiers: MedGen C5575272, MONDO:0859263, OMIM 619964.

Submissions (3):

Variantyx, Inc.
Classification: Pathogenic for Developmental delay, impaired speech, and behavioral abnormalities, with or without seizures. Last evaluated: 2025-06-07. Review status: criteria provided, single submitter. Criteria: Variantyx Assertion Criteria 2022. Collection method: clinical testing. Allele origin: germline. Inheritance: Autosomal recessive inheritance. Affected: yes.
Comment: This is a nonsense variant in the ARFGEF1 gene (OMIM: 604141). Pathogenic variants in this gene have been associated with autosomal dominant developmental delay, impaired speech, and behavioral abnormalities, with or without seizures. This variant introduces a premature termination codon in exon 27 out of 39 and is expected to result in loss of function, which is a known disease mechanism for ARFGEF1 in this disorder (PMID: 34113008) (PVS1). This variant is absent from control populations (PM2). Based on the current evidence, this variant is classified as pathogenic for autosomal dominant developmental delay, impaired speech, and behavioral abnormalities, with or without seizures.

Ambry Genetics
Classification: Pathogenic for Inborn genetic diseases. Last evaluated: 2023-09-05. Review status: criteria provided, single submitter. Criteria: Ambry Variant Classification Scheme 2023. Collection method: clinical testing. Allele origin: germline.
Comment: The c.3814C>T (p.R1272*) alteration, located in exon 27 (coding exon 27) of the ARFGEF1 gene, consists of a C to T substitution at nucleotide position 3814. This changes the amino acid from a arginine (R) to a stop codon at amino acid position 1272. This alteration is expected to result in loss of function by premature protein truncation or nonsense-mediated mRNA decay. This variant was not reported in population-based cohorts in the Genome Aggregation Database (gnomAD). Based on the available evidence, this alteration is classified as pathogenic.

Clinical Genetics Service, Universitary Hospital 12 de Octubre
Classification: Likely pathogenic for Developmental delay, impaired speech, and behavioral abnormalities, with or without seizures. Review status: criteria provided, single submitter. Criteria: ACMG Guidelines, 2015. Collection method: clinical testing. Allele origin: germline. Affected: yes.

Literature cited by the submitters: PubMed 34113008 (cited by Variantyx, Inc.).

NM_006421.5(ARFGEF1):c.3814C>T (p.Arg1272Ter)

Gene: ARFGEF1 (ARF guanine nucleotide exchange factor 1; minus strand). Cytogenetic location: 8q13.2.
Variant type: single nucleotide variant.
Coding change: c.3814C>T on transcript NM_006421.5 (MANE Select); coding-DNA position 3814, C replaced by T.
Protein change: p.Arg1272Ter; replaces arginine 1272 with a stop codon.
Molecular consequence: nonsense. On other transcripts: non-coding transcript variant (1).
Genome position (GRCh38, 1-based): chr8:67,227,239, G>A on the plus strand (C>T on the coding strand, the complement: ARFGEF1 is on the minus strand). VCF-style: chr8-67227239-G-A. GRCh37 (hg19) VCF-style: chr8-68139474-G-A.
Other names: c.3814C>T, p.Arg1272Ter (NM_001413184.1, NM_001413185.1, NM_001413186.1 and 6 more transcripts); c.3214C>T, p.Arg1072Ter (NM_001413188.1, NM_001413193.1, NM_001413197.1); c.3808C>T, p.Arg1270Ter (NM_001413190.1); c.2389C>T, p.Arg797Ter (NM_001413196.1); short protein forms R1270*, R1272*, R1072*, R797*.
Identifiers: ClinVar variation 2616872 (VCV002616872.3), dbSNP rs2491362699, ClinGen allele CA371199511.